The following is an entry in ClinVar:

NM_001267550.2(TTN):c.7816G>A (p.Ala2606Thr)

Gene: TTN (titin; minus strand). Cytogenetic location: 2q31.2.
Variant type: single nucleotide variant.
Coding change: c.7816G>A on transcript NM_001267550.2 (MANE Select); coding-DNA position 7816, G replaced by A.
Protein change: p.Ala2606Thr; replaces alanine 2606 with threonine.
Molecular consequence: missense variant.
Genome position (GRCh38, 1-based): chr2:178,773,148, C>T on the plus strand (G>A on the coding strand, the complement: TTN is on the minus strand). VCF-style: chr2-178773148-C-T. GRCh37 (hg19) VCF-style: chr2-179637875-C-T.
Other names: p.A2606T:GCG>ACG; c.7816G>A, p.Ala2606Thr (NM_001256850.1, NM_133378.4, NM_133379.5); c.7678G>A, p.Ala2560Thr (NM_003319.4, NM_133432.3, NM_133437.4); short protein forms A2606T, A2560T.
Identifiers: ClinVar variation 203156 (VCV000203156.8), dbSNP rs375286376, ClinGen allele CA311490.
Genomic context (GRCh38, chr2:178,773,148, plus strand): 5'-TAGGTTAATAAATATACCAACCTGCCACAGTAAGTTTTCCAGATGTCATATTTTCTCCCG[C>T]GTAAAATGTGTATTTTCCTTCATCATCTTTCATCATATTTAGAACTGTCAATTTATATAT-3'
Protein context (NP_001254479.2, residues 2596-2616): KDDEGKYTFY[Ala2606Thr]GENMTSGKLT

ClinVar aggregate classification (germline): Conflicting classifications of pathogenicity. Review status: criteria provided, conflicting classifications (1 of 4 stars). 5 submissions from 5 submitters: Uncertain significance (3); Likely benign (2). Last evaluated 2026-01-11.

Conditions:
TTN-related disorder. Also called: TTN-related condition; TTN-related disease; TTN-related disorders.
Dilated cardiomyopathy 1G (CMD1G). Identifiers: Orphanet 154, MedGen C1858763, MONDO:0011400, OMIM 604145.
Autosomal recessive limb-girdle muscular dystrophy type 2J (LGMDR10). Also called: Limb-girdle muscular dystrophy, type 2J; MUSCULAR DYSTROPHY, LIMB-GIRDLE, AUTOSOMAL RECESSIVE 10. Identifiers: Orphanet 140922, MedGen C1837342, MONDO:0012127, OMIM 608807.

Allele frequency attached by ClinVar (database versions not stated): ExAC 0.00003; gnomAD 0.00004; gnomAD exomes 0.00004 and 0.00007; TOPMed 0.00006; ESP Exome Variant Server 0.00008.
gnomAD v4.1: 111 of 1,613,730 alleles (0.0069%); highest among the groups gnomAD compares: Non-Finnish European, 0.0084%; no homozygotes.

Submissions (5):

Women's Health and Genetics/Laboratory Corporation of America, LabCorp
Classification: Uncertain significance. Last evaluated: 2026-01-11. Review status: criteria provided, single submitter. Criteria: LabCorp Variant Classification Summary - May 2015. Collection method: clinical testing. Allele origin: germline.
Comment: Variant summary: TTN c.7816G>A (p.Ala2606Thr) results in a non-conservative amino acid change in the encoded protein sequence. Algorithms developed to predict the effect of missense changes on protein structure and function are either unavailable or do not agree on the potential impact of this missense change. The variant allele was found at a frequency of 3.6e-05 in 250614 control chromosomes. The available data on variant occurrences in the general population are insufficient to allow any conclusion about variant significance. c.7816G>A has been observed in an individual suspected with arrhythmogenic cardiomyopathy (example: Voka_Genes_2024). These report(s) do not provide unequivocal conclusions about association of the variant with Dilated Cardiomyopathy. To our knowledge, no experimental evidence demonstrating an impact on protein function has been reported. The following publication has been ascertained in the context of this evaluation (PMID: 38254962). ClinVar contains an entry for this variant (Variation ID: 203156). Based on the evidence outlined above, the variant was classified as uncertain significance.

PreventionGenetics, part of Exact Sciences
Classification: Uncertain significance for TTN-related condition. Last evaluated: 2025-09-22. Review status: criteria provided, single submitter. Criteria: ACMG Guidelines, 2015. Collection method: clinical testing. Allele origin: germline.
Comment: The TTN c.7816G>A variant is predicted to result in the amino acid substitution p.Ala2606Thr. This variant has been reported in an individual with suspected arrhythmogenic cardiomyopathy and dilated cardiomyopathy; however, this variant was not considered the primary cause of disease (Vokač et al. 2024. PubMed ID: 38254962). This variant is reported in 0.0065% of alleles in individuals of South Asian descent in gnomAD. At this time, the clinical significance of this variant is uncertain due to the absence of conclusive functional and genetic evidence.

Blueprint Genetics
Classification: Likely benign. Last evaluated: 2024-11-22. Review status: criteria provided, single submitter. Criteria: ACMG Guidelines, 2015. Collection method: clinical testing. Allele origin: germline.

GeneDx
Classification: Likely benign. Last evaluated: 2021-01-18. Review status: criteria provided, single submitter. Criteria: GeneDx Variant Classification Process June 2021. Collection method: clinical testing. Allele origin: germline. Affected: yes.

Labcorp Genetics (formerly Invitae), Labcorp
Classification: Uncertain significance for Dilated cardiomyopathy 1G; Autosomal recessive limb-girdle muscular dystrophy type 2J. Last evaluated: 2017-11-08. Review status: criteria provided, single submitter. Criteria: Invitae Variant Classification Sherloc (09022015). Collection method: clinical testing. Allele origin: germline.

Literature cited by the submitters: PubMed 38254962 (cited by Women's Health and Genetics/Laboratory Corporation of America, LabCorp).